The following is an entry in ClinVar:

ClinVar aggregate classification (germline): Pathogenic/Likely pathogenic. Review status: criteria provided, multiple submitters, no conflicts (2 of 4 stars). 6 submissions from 6 submitters: Pathogenic (1); Likely pathogenic (4). 1 of the submissions does not count toward it. Last evaluated 2026-10-06.

Conditions:
FGFR1-related disorder. Also called: FGFR1-related condition; FGFR1-related disorders. Identifiers: MedGen CN380097.
Hypogonadotropic hypogonadism. Also called: Hypogonadotropic hypogonadism with or without anosmia; Hypogonadotrophic hypogonadism; Isolated hypogonadotropic hypogonadism; Low gonadotropins (secondary hypogonadism). Identifiers: Orphanet 432, MedGen C0271623, MONDO:0018555, HP:0000044.
Hypogonadotropic hypogonadism 2 with or without anosmia (HH2). Also called: HYPOGONADOTROPIC HYPOGONADISM 2 WITH OR WITHOUT ANOSMIA, SUSCEPTIBILITY TO; HYPOGONADOTROPIC HYPOGONADISM 2 WITHOUT ANOSMIA, SUSCEPTIBILITY TO; HYPOGONADOTROPIC HYPOGONADISM 2 WITHOUT ANOSMIA; FGFR1-Related GnRH Deficiency (Kallmann Syndrome 2). Identifiers: Orphanet 478, MedGen C1563720, MONDO:0007844, OMIM 147950. Disease mechanism: loss of function.
Pfeiffer syndrome (ACS5). Also called: ACS V. Identifiers: Orphanet 710, MedGen C0220658, MONDO:0007043, OMIM 101600.

Submissions (6):

NHS Central & South Genomic Laboratory Hub
Classification: Likely pathogenic for Hypogonadotropic hypogonadism. Last evaluated: 2026-10-06. Review status: criteria provided, single submitter. Criteria: ACMG Guidelines, 2015. Collection method: clinical testing. Allele origin: germline. Affected: yes.

GeneDx
Classification: Likely pathogenic. Last evaluated: 2025-03-31. Review status: criteria provided, single submitter. Criteria: GeneDx Variant Classification Process June 2021. Collection method: clinical testing. Allele origin: germline. Affected: yes.
Comment: Not observed at significant frequency in large population cohorts (gnomAD); In silico analysis supports that this missense variant has a deleterious effect on protein structure/function; Also known as c.331C>T, p.(R111C); This variant is associated with the following publications: (PMID: 23643382, 16764984, 28754744, 31996231, 35090434, 34348883, 23329143, 29419413, 37805574)

Labcorp Genetics (formerly Invitae), Labcorp
Classification: Pathogenic for Pfeiffer syndrome; Hypogonadotropic hypogonadism 2 with or without anosmia. Last evaluated: 2024-04-29. Review status: criteria provided, single submitter. Criteria: Invitae Variant Classification Sherloc (09022015). Collection method: clinical testing. Allele origin: germline.
Comment: This sequence change replaces arginine, which is basic and polar, with cysteine, which is neutral and slightly polar, at codon 78 of the FGFR1 protein (p.Arg78Cys). This variant is not present in population databases (gnomAD no frequency). This missense change has been observed in individuals with hypogonadotropic hypogonadism and Kallmann syndrome (PMID: 16764984, 23643382, 28754744; Invitae). ClinVar contains an entry for this variant (Variation ID: 431966). Advanced modeling of protein sequence and biophysical properties (such as structural, functional, and spatial information, amino acid conservation, physicochemical variation, residue mobility, and thermodynamic stability) performed at Invitae indicates that this missense variant is expected to disrupt FGFR1 protein function with a positive predictive value of 95%. Experimental studies have shown that this missense change affects FGFR1 function (PMID: 28754744). For these reasons, this variant has been classified as Pathogenic.

Reproductive Endocrine Unit, Massachusetts General Hospital
Classification: Likely pathogenic for Hypogonadotropic hypogonadism 2 with or without anosmia. Last evaluated: 2023-05-04. Review status: criteria provided, single submitter. Criteria: ACMG Guidelines, 2015. Collection method: research. Allele origin: unknown, inherited. Affected: yes. Observed: 4 variant alleles.

Genetics Department, Polish Mother's Memorial Hospital Research Institute
Classification: Likely pathogenic for Hypogonadotropic hypogonadism 2 with or without anosmia. Last evaluated: 2019-08-27. Review status: criteria provided, single submitter. Criteria: ACMG Guidelines, 2015. Collection method: research. Allele origin: germline. Affected: yes.

PreventionGenetics, part of Exact Sciences
Classification: Likely pathogenic for FGFR1-related condition. Last evaluated: 2023-12-29. Review status: no assertion criteria provided. Collection method: clinical testing. Allele origin: germline. Not counted in ClinVar's aggregate classification.
Comment: The FGFR1 c.232C>T variant is predicted to result in the amino acid substitution p.Arg78Cys. This variant has been reported in multiple individuals with Kallmann syndrome and hypogonadotropic hypogonadism (Pitteloud et al. 2006. PubMed ID: 16764984; Miraoui H et al. 2013. PubMed ID: 23643382; Xu C et al. 2017. PubMed ID: 28754744; Cassatella D et al. 2018. PubMed ID: 29419413; Gach A et al. 2020. PubMed ID: 31996231; Liu Q et al. 2022. PubMed ID: 35090434). In at least one individual, this variant was found to have arisen de novo (Liu Q et al. 2022. PubMed ID: 35090434). One functional study showed that this variant evoked a decreased response (Xu C et al. 2017. PubMed ID: 28754744). This variant has not been reported in a large population database, indicating this variant is rare. This variant is interpreted as likely pathogenic.

Literature cited by the submitters: PubMed 16764984 (cited by Labcorp Genetics (formerly Invitae), Labcorp); PubMed 23643382 (cited by Labcorp Genetics (formerly Invitae), Labcorp); PubMed 28754744 (cited by Labcorp Genetics (formerly Invitae), Labcorp).

NM_023110.3(FGFR1):c.232C>T (p.Arg78Cys)

Gene: FGFR1 (fibroblast growth factor receptor 1; minus strand). Cytogenetic location: 8p11.23.
Variant type: single nucleotide variant.
Coding change: c.232C>T on transcript NM_023110.3 (MANE Select); coding-DNA position 232, C replaced by T.
Protein change: p.Arg78Cys; replaces arginine 78 with cysteine.
Molecular consequence: missense variant. On other transcripts: intron variant (5).
Genome position (GRCh38, 1-based): chr8:38,429,808, G>A on the plus strand (C>T on the coding strand, the complement: FGFR1 is on the minus strand). VCF-style: chr8-38429808-G-A. GRCh37 (hg19) VCF-style: chr8-38287326-G-A.
Other names: c.232C>T, p.Arg78Cys (NM_001174063.2, NM_001174065.2, NM_001354367.2 and 2 more transcripts); c.208C>T, p.Arg70Cys (NM_001174064.2); c.331C>T, p.Arg111Cys (NM_001174067.2); c.92-1373C>T (NM_001354368.2, NM_001354370.2, NM_023106.3 and 2 more transcripts); short protein forms R78C, R111C, R70C.
Identifiers: ClinVar variation 431966 (VCV000431966.18), dbSNP rs1554570706, ClinGen allele CA370736382.